The following is an entry in ClinVar:

NM_004826.4(ECEL1):c.1199A>C (p.Tyr400Ser)

Gene: ECEL1 (endothelin converting enzyme like 1; minus strand). Cytogenetic location: 2q37.1.
Variant type: single nucleotide variant.
Coding change: c.1199A>C on transcript NM_004826.4 (MANE Select); coding-DNA position 1199, A replaced by C.
Protein change: p.Tyr400Ser; replaces tyrosine 400 with serine.
Molecular consequence: missense variant.
Genome position (GRCh38, 1-based): chr2:232,484,209, T>G on the plus strand (A>C on the coding strand, the complement: ECEL1 is on the minus strand). VCF-style: chr2-232484209-T-G. GRCh37 (hg19) VCF-style: chr2-233348919-T-G.
Other names: c.1199A>C, p.Tyr400Ser (NM_001290787.2); short protein forms Y400S.
Identifiers: ClinVar variation 1705432 (VCV001705432.2), dbSNP rs2469646260, ClinGen allele CA351000041.

ClinVar aggregate classification (germline): Uncertain significance (1 of 4 stars; one submission).

Conditions:
Distal arthrogryposis type 5D (DA5D). Identifiers: Orphanet 329457, MedGen C3554415, MONDO:0014028, OMIM 615065.

gnomAD v4.1: 1 of 1,611,840 alleles (0.000062%); no homozygotes.

Submission:

3billion
Classification: Uncertain significance for Distal arthrogryposis type 5D. Last evaluated: 2025-12-16. Review status: criteria provided, single submitter. Criteria: ACMG Guidelines, 2015. Collection method: clinical testing. Allele origin: germline. Affected: yes.
Comment: The variant is observed at an extremely low frequency in the gnomAD v4.1.0 dataset (total allele frequency: <0.001%). Predicted Consequence/Location: Missense variant In silico tool predictions suggest damaging effect of the variant on gene or gene product [REVEL: 0.92 (>=0.6, sensitivity 0.68 and specificity 0.92)]. The variant has been reported as of uncertain significance (ClinVar ID: VCV001705432; 3billion dataset). Therefore, this variant is classified as VUS according to the recommendation of ACMG/AMP guideline.